The following is an entry in ClinVar:

NM_173854.6(SLC41A1):c.16G>A (p.Glu6Lys)

Gene: SLC41A1 (solute carrier family 41 member 1; minus strand). Cytogenetic location: 1q32.1.
Variant type: single nucleotide variant.
Coding change: c.16G>A on transcript NM_173854.6 (MANE Select); coding-DNA position 16, G replaced by A.
Protein change: p.Glu6Lys; replaces glutamic acid 6 with lysine.
Molecular consequence: missense variant.
Genome position (GRCh38, 1-based): chr1:205,810,426, C>T on the plus strand (G>A on the coding strand, the complement: SLC41A1 is on the minus strand). VCF-style: chr1-205810426-C-T. GRCh37 (hg19) VCF-style: chr1-205779554-C-T.
Other names: short protein forms E6K.
Identifiers: ClinVar variation 4751192 (VCV004751192.1).

ClinVar aggregate classification (germline): Uncertain significance (1 of 4 stars; one submission).

gnomAD v4.1: 10 of 1,614,234 alleles (0.00062%); highest among the groups gnomAD compares: Admixed American, 0.017%; no homozygotes.

Submission:

Labcorp Genetics (formerly Invitae), Labcorp
Classification: Uncertain significance. Last evaluated: 2025-12-23. Review status: criteria provided, single submitter. Criteria: Invitae Variant Classification Sherloc (09022015). Collection method: clinical testing. Allele origin: germline.
Comment: This sequence change replaces glutamic acid, which is acidic and polar, with lysine, which is basic and polar, at codon 6 of the SLC41A1 protein (p.Glu6Lys). This variant is present in population databases (rs765275942, gnomAD 0.03%). This variant has not been reported in the literature in individuals affected with SLC41A1-related conditions. An algorithm developed to predict the effect of missense changes on protein structure and function (PolyPhen-2) suggests that this variant is likely to be disruptive. In summary, the available evidence is currently insufficient to determine the role of this variant in disease. Therefore, it has been classified as a Variant of Uncertain Significance.